The following is an entry in ClinVar:

ClinVar aggregate classification (germline): Likely benign. Review status: criteria provided, multiple submitters, no conflicts (2 of 4 stars). 3 submissions from 3 submitters: Likely benign (3). Last evaluated 2025-08-31.

Conditions:
Glycogen storage disease, type II (IOPD). Also called: Glucosidase acid-1,4-alpha deficiency; Pompe Disease; POMPE DISEASE, INFANTILE-ONSET; GLYCOGEN STORAGE DISEASE II, INFANTILE-ONSET; ACID ALPHA-GLUCOSIDASE DEFICIENCY, INFANTILE-ONSET; GAA DEFICIENCY, INFANTILE-ONSET. Identifiers: Orphanet 365, MedGen C0017921, MONDO:0009290, OMIM 232300.

Allele frequency attached by ClinVar (database versions not stated): gnomAD exomes below 0.00001 and 0.00001; gnomAD 0.00001.

Submissions (3):

Labcorp Genetics (formerly Invitae), Labcorp
Classification: Likely benign for Glycogen storage disease, type II. Last evaluated: 2025-08-31. Review status: criteria provided, single submitter. Criteria: Invitae Variant Classification Sherloc (09022015). Collection method: clinical testing. Allele origin: germline.

Fulgent Genetics
Classification: Likely benign for Glycogen storage disease, type II. Last evaluated: 2021-08-12. Review status: criteria provided, single submitter. Criteria: ACMG Guidelines, 2015. Collection method: clinical testing. Allele origin: unknown.

GeneDx
Classification: Likely benign. Last evaluated: 2016-01-27. Review status: criteria provided, single submitter. Criteria: GeneDx Variant Classification (06012015). Collection method: clinical testing. Allele origin: germline. Affected: yes.
Comment: This variant is considered likely benign or benign based on one or more of the following criteria: it is a conservative change, it occurs at a poorly conserved position in the protein, it is predicted to be benign by multiple in silico algorithms, and/or has population frequency not consistent with disease.

NM_000152.5(GAA):c.1551+12C>A

Gene: GAA (alpha glucosidase; plus strand). Cytogenetic location: 17q25.3.
Variant type: single nucleotide variant.
Coding change: c.1551+12C>A on transcript NM_000152.5 (MANE Select); 12 bases into the intron after coding-DNA position 1551, C replaced by A.
Molecular consequence: intron variant.
Genome position (GRCh38, 1-based): chr17:80,110,852, C>A. VCF-style: chr17-80110852-C-A. GRCh37 (hg19) VCF-style: chr17-78084651-C-A.
Other names: c.1551+12C>A (NM_001079803.3, NM_001079804.3, LRG_673t1).
Identifiers: ClinVar variation 383469 (VCV000383469.10), dbSNP rs937342824, ClinGen allele CA16607901.
Genomic context (GRCh38, chr17:80,110,852, plus strand): 5'-CATGGTGGCTGAGTTCCATGACCAGGTGCCCTTCGACGGCATGTGGATTGTAAGTGTGGC[C>A]CCCTCCTGAGCATCCCCAAGGCCTCTGGGGACTACCCCACCCTCCTCACTCTGGGCAGAG-3'